The following is an entry in ClinVar:

ClinVar aggregate classification (germline): Uncertain significance (1 of 4 stars; one submission).

Conditions:
Inborn genetic diseases. Identifiers: MedGen C0950123, MeSH D030342.

Submission:

Ambry Genetics
Classification: Uncertain significance for Inborn genetic diseases. Last evaluated: 2025-08-02. Review status: criteria provided, single submitter. Criteria: Ambry Variant Classification Scheme 2023. Collection method: clinical testing. Allele origin: germline.
Comment: The p.H1992N variant (also known as c.5974C>A), located in coding exon 22 of the FANCM gene, results from a C to A substitution at nucleotide position 5974. The histidine at codon 1992 is replaced by asparagine, an amino acid with similar properties. This amino acid position is conserved. In addition, this alteration is predicted to be tolerated by in silico analysis. Based on the available evidence, the clinical significance of this variant remains unclear.

NM_020937.4(FANCM):c.5974C>A (p.His1992Asn)

Gene: FANCM (FA complementation group M; plus strand). Cytogenetic location: 14q21.2.
Variant type: single nucleotide variant.
Coding change: c.5974C>A on transcript NM_020937.4 (MANE Select); coding-DNA position 5974, C replaced by A.
Protein change: p.His1992Asn; replaces histidine 1992 with asparagine.
Molecular consequence: missense variant.
Genome position (GRCh38, 1-based): chr14:45,198,901, C>A. VCF-style: chr14-45198901-C-A. GRCh37 (hg19) VCF-style: chr14-45668104-C-A.
Other names: c.5896C>A, p.His1966Asn (NM_001308133.2); short protein forms H1966N, H1992N.
Identifiers: ClinVar variation 4254644 (VCV004254644.1).